The following is an entry in ClinVar:

ClinVar aggregate classification (germline): Uncertain significance (1 of 4 stars; one submission).

Submission:

GeneDx
Classification: Uncertain significance. Last evaluated: 2022-07-15. Review status: criteria provided, single submitter. Criteria: GeneDx Variant Classification Process June 2021. Collection method: clinical testing. Allele origin: germline. Affected: yes.
Comment: Not observed at significant frequency in large population cohorts (gnomAD); In silico analysis supports that this missense variant does not alter protein structure/function; Has not been previously published as pathogenic or benign to our knowledge

NM_001282531.3(ADNP):c.1837G>A (p.Val613Met)

Gene: ADNP (activity dependent neuroprotector homeobox; minus strand). Cytogenetic location: 20q13.13.
Variant type: single nucleotide variant.
Coding change: c.1837G>A on transcript NM_001282531.3 (MANE Select); coding-DNA position 1837, G replaced by A.
Protein change: p.Val613Met; replaces valine 613 with methionine.
Molecular consequence: missense variant.
Genome position (GRCh38, 1-based): chr20:50,892,877, C>T on the plus strand (G>A on the coding strand, the complement: ADNP is on the minus strand). VCF-style: chr20-50892877-C-T. GRCh37 (hg19) VCF-style: chr20-49509414-C-T.
Other names: c.1837G>A, p.Val613Met (NM_001282532.2, NM_001347511.2, NM_015339.5 and 1 more transcripts); short protein forms V613M.
Identifiers: ClinVar variation 1878936 (VCV001878936.1), dbSNP rs1460214169, ClinGen allele CA408972130.